The following is an entry in ClinVar:

ClinVar aggregate classification (germline): Conflicting classifications of pathogenicity. Review status: criteria provided, conflicting classifications (1 of 4 stars). 2 submissions from 2 submitters: Uncertain significance (1); Likely benign (1). Last evaluated 2023-12-19.

Conditions:
Idiopathic generalized epilepsy. Also called: EIG; Generalised epilepsy. Identifiers: MedGen C0270850, MONDO:0005579, OMIM 600669.
Hyperaldosteronism, familial, type IV (HALD4). Also called: FH IV; ALDOSTERONISM, PRIMARY, AND HYPERTENSION. Identifiers: Orphanet 642671, MedGen C4310756, MONDO:0014875, OMIM 617027.
Inborn genetic diseases. Identifiers: MedGen C0950123, MeSH D030342.

gnomAD v4.1: 30 of 1,533,300 alleles (0.002%); highest among the groups gnomAD compares: Non-Finnish European, 0.0025%; no homozygotes.

Submissions (2):

Ambry Genetics
Classification: Likely benign for Inborn genetic diseases. Last evaluated: 2023-12-19. Review status: criteria provided, single submitter. Criteria: Ambry Variant Classification Scheme 2023. Collection method: clinical testing. Allele origin: germline.

Labcorp Genetics (formerly Invitae), Labcorp
Classification: Uncertain significance for Idiopathic generalized epilepsy; Hyperaldosteronism, familial, type IV. Last evaluated: 2022-06-19. Review status: criteria provided, single submitter. Criteria: Invitae Variant Classification Sherloc (09022015). Collection method: clinical testing. Allele origin: germline.
Comment: This sequence change replaces glutamic acid, which is acidic and polar, with aspartic acid, which is acidic and polar, at codon 2164 of the CACNA1H protein (p.Glu2164Asp). In summary, the available evidence is currently insufficient to determine the role of this variant in disease. Therefore, it has been classified as a Variant of Uncertain Significance. Advanced modeling of protein sequence and biophysical properties (such as structural, functional, and spatial information, amino acid conservation, physicochemical variation, residue mobility, and thermodynamic stability) performed at Invitae indicates that this missense variant is not expected to disrupt CACNA1H protein function. This variant has not been reported in the literature in individuals affected with CACNA1H-related conditions. This variant is not present in population databases (gnomAD no frequency).

NM_021098.3(CACNA1H):c.6492G>C (p.Glu2164Asp)

Gene: CACNA1H (calcium voltage-gated channel subunit alpha1 H; plus strand). Cytogenetic location: 16p13.3.
Variant type: single nucleotide variant.
Coding change: c.6492G>C on transcript NM_021098.3 (MANE Select); coding-DNA position 6492, G replaced by C.
Protein change: p.Glu2164Asp; replaces glutamic acid 2164 with aspartic acid.
Molecular consequence: missense variant.
Genome position (GRCh38, 1-based): chr16:1,220,424, G>C. VCF-style: chr16-1220424-G-C. GRCh37 (hg19) VCF-style: chr16-1270424-G-C.
Other names: c.6474G>C, p.Glu2158Asp (NM_001005407.2); c.6492G>C (NM_021098.2); short protein forms E2164D, E2158D.
Identifiers: ClinVar variation 2052509 (VCV002052509.5), dbSNP rs768879342, ClinGen allele CA394149836.